The following is an entry in ClinVar:

ClinVar aggregate classification (germline): Uncertain significance. Review status: criteria provided, multiple submitters, no conflicts (2 of 4 stars). 2 submissions from 2 submitters: Uncertain significance (2). Last evaluated 2025-11-17.

Allele frequency attached by ClinVar (database versions not stated): gnomAD 0.00004 and 0.00005; TOPMed 0.00005; gnomAD exomes 0.00009; ExAC 0.00014; 1000 Genomes Project 30x 0.00016; 1000 Genomes Project 0.00020.
gnomAD v4.1: 85 of 1,590,084 alleles (0.0053%); highest among the groups gnomAD compares: Admixed American, 0.024%; no homozygotes.

Submissions (2):

Labcorp Genetics (formerly Invitae), Labcorp
Classification: Uncertain significance. Last evaluated: 2025-11-17. Review status: criteria provided, single submitter. Criteria: Invitae Variant Classification Sherloc (09022015). Collection method: clinical testing. Allele origin: germline.
Comment: This sequence change replaces proline, which is neutral and non-polar, with leucine, which is neutral and non-polar, at codon 2 of the FSCN2 protein (p.Pro2Leu). This variant is present in population databases (rs538029653, gnomAD 0.04%). This variant has not been reported in the literature in individuals affected with FSCN2-related conditions. ClinVar contains an entry for this variant (Variation ID: 1423716). An algorithm developed to predict the effect of missense changes on protein structure and function (PolyPhen-2) suggests that this variant is likely to be disruptive. Algorithms developed to predict the effect of sequence changes on RNA splicing suggest that this variant may create or strengthen a splice site. In summary, the available evidence is currently insufficient to determine the role of this variant in disease. Therefore, it has been classified as a Variant of Uncertain Significance.

Ambry Genetics
Classification: Uncertain significance. Last evaluated: 2024-09-24. Review status: criteria provided, single submitter. Criteria: Ambry Variant Classification Scheme 2023. Collection method: clinical testing. Allele origin: germline.

NM_012418.4(FSCN2):c.5C>T (p.Pro2Leu)

Gene: FSCN2 (fascin actin-bundling protein 2, retinal; plus strand). Cytogenetic location: 17q25.3.
Variant type: single nucleotide variant.
Coding change: c.5C>T on transcript NM_012418.4 (MANE Select); coding-DNA position 5, C replaced by T.
Protein change: p.Pro2Leu; replaces proline 2 with leucine.
Molecular consequence: missense variant.
Genome position (GRCh38, 1-based): chr17:81,528,536, C>T. VCF-style: chr17-81528536-C-T. GRCh37 (hg19) VCF-style: chr17-79495562-C-T.
Other names: c.5C>T, p.Pro2Leu (NM_001077182.3); c.5C>T (NM_001077182.2); short protein forms P2L.
Identifiers: ClinVar variation 1423716 (VCV001423716.7), dbSNP rs538029653, ClinGen allele CA8836556.